The following is an entry in ClinVar:

NM_031263.4(HNRNPK):c.266G>C (p.Ser89Thr)

Genes: HNRNPK (heterogeneous nuclear ribonucleoprotein K; minus strand), HNRNPK-AS1 (HNRNPK antisense RNA 1; plus strand). Cytogenetic location: 9q21.32.
Variant type: single nucleotide variant.
Coding change: c.266G>C on transcript NM_031263.4 (MANE Select); coding-DNA position 266, G replaced by C.
Protein change: p.Ser89Thr; replaces serine 89 with threonine.
Molecular consequence: missense variant.
Genome position (GRCh38, 1-based): chr9:83,974,581, C>G on the plus strand (G>C on the coding strand, the complement: HNRNPK is on the minus strand). VCF-style: chr9-83974581-C-G. GRCh37 (hg19) VCF-style: chr9-86589496-C-G.
Other names: c.266G>C, p.Ser89Thr (NM_001318186.2, NM_001318187.2, NM_001318188.2 and 2 more transcripts); short protein forms S89T.
Identifiers: ClinVar variation 1209565 (VCV001209565.3), dbSNP rs2133045853, ClinGen allele CA373928671.

ClinVar aggregate classification (germline): Uncertain significance (1 of 4 stars; one submission).

Submission:

GeneDx
Classification: Uncertain significance. Last evaluated: 2019-08-16. Review status: criteria provided, single submitter. Criteria: GeneDx Variant Classification Process June 2021. Collection method: clinical testing. Allele origin: germline. Affected: yes.
Comment: Has not been previously published as pathogenic or benign to our knowledge; Not observed in large population cohorts (Lek et al., 2016); In silico analysis, which includes protein predictors and evolutionary conservation, supports that this variant does not alter protein structure/function; In-silico analysis, which includes splice predictors and evolutionary conservation, is inconclusive as to whether the variant alters gene splicing. In the absence of RNA/functional studies, the actual effect of this sequence change is unknown.